The following is an entry in ClinVar:

ClinVar aggregate classification (germline): Uncertain significance. Review status: criteria provided, multiple submitters, no conflicts (2 of 4 stars). 3 submissions from 3 submitters: Uncertain significance (3). Last evaluated 2023-06-26.

Conditions:
Inborn genetic diseases. Identifiers: MedGen C0950123, MeSH D030342.
Acrocallosal syndrome (ACLS). Also called: HALLUX DUPLICATION, POSTAXIAL POLYDACTYLY, AND ABSENCE OF CORPUS CALLOSUM; Schinzel syndrome 1; Absence of corpus callosum with unusual facial appearance, mental deficiency, duplication of the halluces and polydactyly. Identifiers: Orphanet 36, MedGen C0796147, MONDO:0008708, OMIM 200990.

Allele frequency attached by ClinVar (database versions not stated): gnomAD exomes below 0.00001 and 0.00001; gnomAD 0.00001; TOPMed 0.00002.
gnomAD v4.1: 7 of 1,532,906 alleles (0.00046%); highest among the groups gnomAD compares: African/African-American, 0.0014%; no homozygotes.

Submissions (3):

Ambry Genetics
Classification: Uncertain significance for Inborn genetic diseases. Last evaluated: 2023-06-26. Review status: criteria provided, single submitter. Criteria: Ambry Variant Classification Scheme 2023. Collection method: clinical testing. Allele origin: germline.

Labcorp Genetics (formerly Invitae), Labcorp
Classification: Uncertain significance for Acrocallosal syndrome. Last evaluated: 2022-08-23. Review status: criteria provided, single submitter. Criteria: Invitae Variant Classification Sherloc (09022015). Collection method: clinical testing. Allele origin: germline.
Comment: This sequence change replaces serine, which is neutral and polar, with glycine, which is neutral and non-polar, at codon 215 of the KIF7 protein (p.Ser215Gly). This variant is present in population databases (no rsID available, gnomAD 0.004%). This variant has not been reported in the literature in individuals affected with KIF7-related conditions. ClinVar contains an entry for this variant (Variation ID: 317376). Algorithms developed to predict the effect of missense changes on protein structure and function are either unavailable or do not agree on the potential impact of this missense change (SIFT: "Deleterious"; PolyPhen-2: "Possibly Damaging"; Align-GVGD: "Class C0"). In summary, the available evidence is currently insufficient to determine the role of this variant in disease. Therefore, it has been classified as a Variant of Uncertain Significance.

Illumina Laboratory Services, Illumina
Classification: Uncertain significance for Acrocallosal syndrome. Last evaluated: 2018-01-13. Review status: criteria provided, single submitter. Criteria: ICSL Variant Classification Criteria 13 December 2019. Collection method: clinical testing. Allele origin: germline.

NM_198525.3(KIF7):c.643A>G (p.Ser215Gly)

Gene: KIF7 (kinesin family member 7; minus strand). Cytogenetic location: 15q26.1.
Variant type: single nucleotide variant.
Coding change: c.643A>G on transcript NM_198525.3 (MANE Select); coding-DNA position 643, A replaced by G.
Protein change: p.Ser215Gly; replaces serine 215 with glycine.
Molecular consequence: missense variant.
Genome position (GRCh38, 1-based): chr15:89,649,254, T>C on the plus strand (A>G on the coding strand, the complement: KIF7 is on the minus strand). VCF-style: chr15-89649254-T-C. GRCh37 (hg19) VCF-style: chr15-90192485-T-C.
Other names: short protein forms S215G.
Identifiers: ClinVar variation 317376 (VCV000317376.10), dbSNP rs886051540, ClinGen allele CA10647508.